The following is an entry in ClinVar:

ClinVar aggregate classification (germline): Uncertain significance. Review status: criteria provided, multiple submitters, no conflicts (2 of 4 stars). 3 submissions from 3 submitters: Uncertain significance (3). Last evaluated 2026-06-24.

Conditions:
Gastrointestinal stromal tumor. Also called: Gastrointestinal stroma tumor; Gastrointestinal stromal tumor, somatic. Identifiers: Orphanet 44890, MedGen C0238198, MeSH D046152, MONDO:0011719, OMIM 606764, HP:0100723.
Hereditary cancer-predisposing syndrome. Also called: Hereditary neoplastic syndrome; Hereditary Cancer Syndrome; Neoplastic Syndromes, Hereditary; Tumor predisposition. Identifiers: Orphanet 140162, MedGen C0027672, MeSH D009386, MONDO:0015356.

Submissions (3):

Ambry Genetics
Classification: Uncertain significance for Hereditary cancer-predisposing syndrome. Last evaluated: 2026-06-24. Review status: criteria provided, single submitter. Criteria: Ambry Variant Classification Scheme 2023. Collection method: clinical testing. Allele origin: germline.
Comment: The c.741_742delAAinsTG variant, located in coding exon 4 of the KIT gene, results from an in-frame deletion of AA and insertion of TG at nucleotide positions 741 to 742. This results in the substitution of the K and R residues for N and G residues at codons 247 to 248. This amino acid region is not well conserved in available vertebrate species. In addition, this variant is predicted to be neutral by in silico analysis (Choi Y et al. PLoS ONE. 2012; 7(10):e46688). Based on the available evidence, the clinical significance of this variant remains unclear.

Baylor Genetics
Classification: Uncertain significance for Gastrointestinal stromal tumor. Last evaluated: 2023-06-13. Review status: criteria provided, single submitter. Criteria: ACMG Guidelines, 2015. Collection method: clinical testing. Allele origin: unknown.

Labcorp Genetics (formerly Invitae), Labcorp
Classification: Uncertain significance for Gastrointestinal stromal tumor. Last evaluated: 2023-05-08. Review status: criteria provided, single submitter. Criteria: Invitae Variant Classification Sherloc (09022015). Collection method: clinical testing. Allele origin: germline.
Comment: In summary, the available evidence is currently insufficient to determine the role of this variant in disease. Therefore, it has been classified as a Variant of Uncertain Significance. Experimental studies and prediction algorithms are not available or were not evaluated, and the functional significance of this variant is currently unknown. This variant has not been reported in the literature in individuals affected with KIT-related conditions. Information on the frequency of this variant in the gnomAD database is not available, as this variant may be reported differently in the database. This variant, c.741_742delinsTG, is a complex sequence change that results in the deletion of 2 and insertion of 2 amino acid(s) in the KIT protein (p.Lys247_Arg248delinsAsnGly).

NM_000222.3(KIT):c.741_742delinsTG (p.Lys247_Arg248delinsAsnGly)

Gene: KIT (KIT proto-oncogene, receptor tyrosine kinase; plus strand). Cytogenetic location: 4q12.
Variant type: Indel.
Coding change: c.741_742delinsTG on transcript NM_000222.3 (MANE Select); coding-DNA positions 741 to 742, AA replaced by TG.
Protein change: p.Lys247_Arg248delinsAsnGly.
Molecular consequence: missense variant.
Genome position (GRCh38, 1-based): chr4:54,699,751-54,699,752, AA replaced by TG. VCF-style: chr4-54699751-AA-TG. GRCh37 (hg19) VCF-style: chr4-55565917-AA-TG.
Other names: c.741_742delinsTG, p.Lys247_Arg248delinsAsnGly (NM_001093772.2, NM_001385284.1, NM_001385285.1 and 4 more transcripts).
Identifiers: ClinVar variation 2676221 (VCV002676221.5), dbSNP rs2475457303, ClinGen allele CA2695199384.